The following is an entry in ClinVar:

NM_000170.3(GLDC):c.1816A>G (p.Thr606Ala)

Gene: GLDC (glycine decarboxylase; minus strand). Cytogenetic location: 9p24.1.
Variant type: single nucleotide variant.
Coding change: c.1816A>G on transcript NM_000170.3 (MANE Select); coding-DNA position 1816, A replaced by G.
Protein change: p.Thr606Ala; replaces threonine 606 with alanine.
Molecular consequence: missense variant.
Genome position (GRCh38, 1-based): chr9:6,587,175, T>C on the plus strand (A>G on the coding strand, the complement: GLDC is on the minus strand). VCF-style: chr9-6587175-T-C. GRCh37 (hg19) VCF-style: chr9-6587175-T-C.
Other names: short protein forms T606A.
Identifiers: ClinVar variation 1473525 (VCV001473525.5), dbSNP rs2129831606, ClinGen allele CA372891301.
Genomic context (GRCh38, chr9:6,587,175, plus strand): 5'-AACAATAAGAAAAGAAATGCCCTTACCTGTTTGGCTGGAAACAGACCTGGTCATAACCTG[T>C]GAGTTCACACAAATCCTTCTCAAGCTCTCGGAAAAGCTGCTGATATCCTTGAGCTTGATC-3'
Protein context (NP_000161.2, residues 596-616): RELEKDLCEL[Thr606Ala]GYDQVCFQPN

ClinVar aggregate classification (germline): Uncertain significance (1 of 4 stars; one submission).

Conditions:
Glycine encephalopathy. Also called: Non-ketotic hyperglycinemia; Nonketotic hyperglycinemia. Identifiers: Orphanet 407, MedGen C0751748, MONDO:0011612, HP:0008288.

Allele frequency attached by ClinVar (database versions not stated): gnomAD exomes below 0.00001.
gnomAD v4.1: 2 of 1,613,912 alleles (0.00012%); highest among the groups gnomAD compares: Non-Finnish European, 0.00017%; no homozygotes.

Submission:

Labcorp Genetics (formerly Invitae), Labcorp
Classification: Uncertain significance for Glycine encephalopathy. Last evaluated: 2021-09-24. Review status: criteria provided, single submitter. Criteria: Invitae Variant Classification Sherloc (09022015). Collection method: clinical testing. Allele origin: germline.
Comment: This sequence change replaces threonine with alanine at codon 606 of the GLDC protein (p.Thr606Ala). The threonine residue is highly conserved and there is a small physicochemical difference between threonine and alanine. This variant is not present in population databases (ExAC no frequency). This variant has not been reported in the literature in individuals with GLDC-related conditions. Advanced modeling of protein sequence and biophysical properties (such as structural, functional, and spatial information, amino acid conservation, physicochemical variation, residue mobility, and thermodynamic stability) performed at Invitae indicates that this missense variant is expected to disrupt GLDC protein function. In summary, the available evidence is currently insufficient to determine the role of this variant in disease. Therefore, it has been classified as a Variant of Uncertain Significance.